The following is an entry in ClinVar:

ClinVar aggregate classification (germline): Benign/Likely benign. Review status: criteria provided, multiple submitters, no conflicts (2 of 4 stars). 3 submissions from 3 submitters: Benign (1); Likely benign (2). Last evaluated 2025-08-29.

Conditions:
Bethlem myopathy 1A. Also called: Bethlem myopathy 1; Bethlem Muscular Dystrophy; MYOPATHY, BENIGN CONGENITAL, WITH CONTRACTURES. Identifiers: Orphanet 610, MedGen CN029274, MONDO:0024530, OMIM 158810.

Allele frequency attached by ClinVar (database versions not stated): TOPMed 0.00005; ExAC 0.00006; 1000 Genomes Project 30x 0.00016; 1000 Genomes Project 0.00020; gnomAD 0.00001; gnomAD exomes 0.00002 and 0.00005.
gnomAD v4.1: 36 of 1,552,560 alleles (0.0023%); highest among the groups gnomAD compares: Middle Eastern, 0.017%; no homozygotes.

Submissions (3):

Labcorp Genetics (formerly Invitae), Labcorp
Classification: Benign for Bethlem myopathy 1A. Last evaluated: 2025-08-29. Review status: criteria provided, single submitter. Criteria: Invitae Variant Classification Sherloc (09022015). Collection method: clinical testing. Allele origin: germline.

Blueprint Genetics
Classification: Likely benign. Last evaluated: 2023-04-13. Review status: criteria provided, single submitter. Criteria: ACMG Guidelines, 2015. Collection method: clinical testing. Allele origin: germline.

GeneDx
Classification: Likely benign. Last evaluated: 2021-07-22. Review status: criteria provided, single submitter. Criteria: GeneDx Variant Classification Process June 2021. Collection method: clinical testing. Allele origin: germline. Affected: yes.
Comment: In silico analysis supports that this variant does not alter splicing; Nucleotide substitution has no predicted effect on splicing and is not conserved across species; Has not been previously published as pathogenic or benign to our knowledge

NM_001848.3(COL6A1):c.615G>A (p.Thr205=)

Gene: COL6A1 (collagen type VI alpha 1 chain; plus strand). Cytogenetic location: 21q22.3.
Variant type: single nucleotide variant.
Coding change: c.615G>A on transcript NM_001848.3 (MANE Select); coding-DNA position 615, G replaced by A.
Protein change: p.Thr205=; no amino-acid change (threonine 205 retained).
Molecular consequence: synonymous variant.
Genome position (GRCh38, 1-based): chr21:45,986,970, G>A. VCF-style: chr21-45986970-G-A. GRCh37 (hg19) VCF-style: chr21-47406884-G-A.
Identifiers: ClinVar variation 508802 (VCV000508802.13), dbSNP rs192125814, ClinGen allele CA10069635.